The following is an entry in ClinVar:

ClinVar aggregate classification (germline): Uncertain significance (1 of 4 stars; one submission).

Conditions:
Noonan syndrome 8 (NS8). Identifiers: Orphanet 648, MedGen C3809233, MONDO:0014143, OMIM 615355.

Submission:

Labcorp Genetics (formerly Invitae), Labcorp
Classification: Uncertain significance for Noonan syndrome 8. Last evaluated: 2022-07-02. Review status: criteria provided, single submitter. Criteria: Invitae Variant Classification Sherloc (09022015). Collection method: clinical testing. Allele origin: germline.
Comment: In summary, the available evidence is currently insufficient to determine the role of this variant in disease. Therefore, it has been classified as a Variant of Uncertain Significance. Advanced modeling of protein sequence and biophysical properties (such as structural, functional, and spatial information, amino acid conservation, physicochemical variation, residue mobility, and thermodynamic stability) performed at Invitae indicates that this missense variant is expected to disrupt RIT1 protein function. This variant has not been reported in the literature in individuals affected with RIT1-related conditions. This variant is not present in population databases (gnomAD no frequency). This sequence change replaces asparagine, which is neutral and polar, with serine, which is neutral and polar, at codon 134 of the RIT1 protein (p.Asn134Ser).

NM_006912.6(RIT1):c.401A>G (p.Asn134Ser)

Gene: RIT1 (Ras like without CAAX 1; minus strand). Cytogenetic location: 1q22.
Variant type: single nucleotide variant.
Coding change: c.401A>G on transcript NM_006912.6 (MANE Select); coding-DNA position 401, A replaced by G.
Protein change: p.Asn134Ser; replaces asparagine 134 with serine.
Molecular consequence: missense variant.
Genome position (GRCh38, 1-based): chr1:155,904,339, T>C on the plus strand (A>G on the coding strand, the complement: RIT1 is on the minus strand). VCF-style: chr1-155904339-T-C. GRCh37 (hg19) VCF-style: chr1-155874130-T-C.
Other names: c.293A>G, p.Asn98Ser (NM_001256820.2); c.452A>G, p.Asn151Ser (NM_001256821.2); short protein forms N98S, N151S, N134S.
Identifiers: ClinVar variation 2013173 (VCV002013173.4), dbSNP rs2527179959, ClinGen allele CA342802134.
Genomic context (GRCh38, chr1:155,904,339, plus strand): 5'-ATTATAGACAGTATTTTCTTCTCTATCCTCACCTGTCTTAGCTGTTTGAGGTCTGACTTG[T>C]TTCCCACAAGAACCACAGGTGTATCGTCAGTACGTCGGACTCGATAAATAAGCTGTTTAA-3'
Protein context (NP_008843.1, residues 124-144): TDDTPVVLVG[Asn134Ser]KSDLKQLRQV